The following is an entry in ClinVar:

ClinVar aggregate classification (germline): Uncertain significance (1 of 4 stars; one submission).

Conditions:
Charcot-Marie-Tooth disease type 2E (CMT2E). Also called: CHARCOT-MARIE-TOOTH DISEASE, AXONAL, TYPE 2E; CHARCOT-MARIE-TOOTH NEUROPATHY, TYPE 2E. Identifiers: Orphanet 99939, MedGen C1843225, MONDO:0011894, OMIM 607684.

Allele frequency attached by ClinVar (database versions not stated): gnomAD exomes below 0.00001; ExAC 0.00001.
gnomAD v4.1: 1 of 1,613,144 alleles (0.000062%); highest among the groups gnomAD compares: South Asian, 0.0011%; no homozygotes.

Submission:

Labcorp Genetics (formerly Invitae), Labcorp
Classification: Uncertain significance for Charcot-Marie-Tooth disease type 2E. Last evaluated: 2022-06-20. Review status: criteria provided, single submitter. Criteria: Invitae Variant Classification Sherloc (09022015). Collection method: clinical testing. Allele origin: germline.
Comment: In summary, the available evidence is currently insufficient to determine the role of this variant in disease. Therefore, it has been classified as a Variant of Uncertain Significance. ClinVar contains an entry for this variant (Variation ID: 464930). This variant has not been reported in the literature in individuals affected with NEFL-related conditions. The frequency data for this variant in the population databases is considered unreliable, as metrics indicate poor data quality at this position in the gnomAD database. This sequence change replaces alanine, which is neutral and non-polar, with glutamic acid, which is acidic and polar, at codon 328 of the NEFL protein (p.Ala328Glu).

NM_006158.5(NEFL):c.983C>A (p.Ala328Glu)

Gene: NEFL (neurofilament light chain; minus strand). Cytogenetic location: 8p21.2.
Variant type: single nucleotide variant.
Coding change: c.983C>A on transcript NM_006158.5 (MANE Select); coding-DNA position 983, C replaced by A.
Protein change: p.Ala328Glu; replaces alanine 328 with glutamic acid.
Molecular consequence: missense variant.
Genome position (GRCh38, 1-based): chr8:24,955,533, G>T on the plus strand (C>A on the coding strand, the complement: NEFL is on the minus strand). VCF-style: chr8-24955533-G-T. GRCh37 (hg19) VCF-style: chr8-24813047-G-T.
Other names: short protein forms A328E.
Identifiers: ClinVar variation 464930 (VCV000464930.5), dbSNP rs768190580, ClinGen allele CA4681405.